The following is an entry in ClinVar:

ClinVar aggregate classification (germline): Conflicting classifications of pathogenicity. Review status: criteria provided, conflicting classifications (1 of 4 stars). 3 submissions from 3 submitters: Likely pathogenic (1); Uncertain significance (2). Last evaluated 2024-07-30.

Conditions:
Dystonia 28, childhood-onset (DYT28). Also called: KMT2B-Related Dystonia (DYT-KMT2B). Identifiers: Orphanet 589618, MedGen C4310633, MONDO:0015004, OMIM 617284.

Submissions (3):

3billion
Classification: Uncertain significance for Dystonia 28, childhood-onset. Last evaluated: 2024-07-30. Review status: criteria provided, single submitter. Criteria: ACMG Guidelines, 2015. Collection method: clinical testing. Allele origin: germline. Affected: yes.
Comment: The variant is not observed in the gnomAD v4.0.0 dataset. Predicted Consequence/Location: Missense variant In silico tool predictions suggest damaging effect of the variant on gene or gene product [REVEL: 0.78 (>=0.6, sensitivity 0.68 and specificity 0.92); 3Cnet: 0.78 (>=0.6, sensitivity 0.72 and precision 0.9)]. The variant has been reported to be associated with KMT2B-related disorder (ClinVar: VCV000432958.4). However, the evidence of pathogenicity is insufficient at this time. Therefore, this variant is classified as VUS according to the recommendation of ACMG/AMP guideline.

CeGaT Center for Human Genetics Tuebingen
Classification: Likely pathogenic. Last evaluated: 2024-05-01. Review status: criteria provided, single submitter. Criteria: CeGaT Center For Human Genetics Tuebingen Variant Classification Criteria Version 2. Collection method: clinical testing. Allele origin: germline. Affected: yes. Observed: 1 variant allele.
Comment: KMT2B: PM1, PM2, PM6, PS4:Moderate, PP2

GeneDx
Classification: Uncertain significance. Last evaluated: 2017-06-22. Review status: criteria provided, single submitter. Criteria: GeneDx Variant Classification (06012015). Collection method: clinical testing. Allele origin: germline. Affected: yes.
Comment: The T1650M variant in the KMT2B gene has not been reported previously as a pathogenic variant, nor as a benignvariant, to our knowledge. This variant is not observed in large population cohorts (Lek et al., 2016; 1000 GenomesConsortium et al., 2015; Exome Variant Server). The T1650M variant is a non-conservative amino acid substitution,which is likely to impact secondary protein structure as these residues differ in polarity, charge, size and/or otherproperties. This substitution occurs at a position that is conserved across species, and in silico analysis predicts thisvariant is probably damaging to the protein structure/function. We interpret T1650M as a variant of uncertainsignificance, which may be related to the reported dystonia in this individual.

NM_014727.3(KMT2B):c.4949C>T (p.Thr1650Met)

Gene: KMT2B (lysine methyltransferase 2B; plus strand). Cytogenetic location: 19q13.12.
Variant type: single nucleotide variant.
Coding change: c.4949C>T on transcript NM_014727.3 (MANE Select); coding-DNA position 4949, C replaced by T.
Protein change: p.Thr1650Met; replaces threonine 1650 with methionine.
Molecular consequence: missense variant.
Genome position (GRCh38, 1-based): chr19:35,729,998, C>T. VCF-style: chr19-35729998-C-T. GRCh37 (hg19) VCF-style: chr19-36220899-C-T.
Other names: short protein forms T1650M.
Identifiers: ClinVar variation 432958 (VCV000432958.21), dbSNP rs1555731828, ClinGen allele CA405418776.